The following is an entry in ClinVar:

ClinVar aggregate classification (germline): Conflicting classifications of pathogenicity. Review status: criteria provided, conflicting classifications (1 of 4 stars). 4 submissions from 4 submitters: Uncertain significance (2); Benign (1). 1 of the submissions does not count toward it. Last evaluated 2024-07-12.

Conditions:
Alpha thalassemia-X-linked intellectual disability syndrome (ATRX). Also called: ALPHA-THALASSEMIA/MENTAL RETARDATION SYNDROME, X-LINKED; ATR, NONDELETION TYPE; ATR-X syndrome; Alpha thalassemia mental retardation syndrome, nondeletion type, X-linked; XLMR hypotonic face syndrome; X-linked alpha-thalassemia-mental retardation syndrome. Identifiers: Orphanet 847, MedGen C1845055, MONDO:0010519, OMIM 301040.

Allele frequency attached by ClinVar (database versions not stated): gnomAD exomes below 0.00001.
gnomAD v4.1: 2 of 1,206,999 alleles (0.00017%); highest among the groups gnomAD compares: Admixed American, 0.0043%; no homozygotes.

Submissions (4):

GeneDx
Classification: Uncertain significance. Last evaluated: 2024-07-12. Review status: criteria provided, single submitter. Criteria: GeneDx Variant Classification Process June 2021. Collection method: clinical testing. Allele origin: germline. Affected: yes.
Comment: Not observed at significant frequency in large population cohorts (gnomAD); In silico analysis supports that this missense variant has a deleterious effect on protein structure/function; Has not been previously published as pathogenic or benign to our knowledge

Labcorp Genetics (formerly Invitae), Labcorp
Classification: Benign for Alpha thalassemia-X-linked intellectual disability syndrome. Last evaluated: 2024-03-22. Review status: criteria provided, single submitter. Criteria: Invitae Variant Classification Sherloc (09022015). Collection method: clinical testing. Allele origin: germline.

Women's Health and Genetics/Laboratory Corporation of America, LabCorp
Classification: Uncertain significance. Last evaluated: 2020-03-04. Review status: criteria provided, single submitter. Criteria: LabCorp Variant Classification Summary - May 2015. Collection method: clinical testing. Allele origin: germline.
Comment: Variant summary: ATRX c.1212G>C (p.Lys404Asn) results in a non-conservative amino acid change in the encoded protein sequence. Five of five in-silico tools predict a damaging effect of the variant on protein function. The variant was absent in 182880 control chromosomes. The available data on variant occurrences in the general population are insufficient to allow any conclusion about variant significance. To our knowledge, no occurrence of c.1212G>C in individuals affected with Mental retardation-hypotonic facies syndrome X-linked, 1 and no experimental evidence demonstrating its impact on protein function have been reported. No clinical diagnostic laboratories have submitted clinical-significance assessments for this variant to ClinVar after 2014. Based on the evidence outlined above, the variant was classified as uncertain significance.

Natera, Inc.
Classification: Uncertain significance for X-linked alpha-thalassemia-mental retardation syndrome. Last evaluated: 2020-07-17. Review status: no assertion criteria provided. Collection method: clinical testing. Allele origin: germline. Not counted in ClinVar's aggregate classification.

NM_000489.6(ATRX):c.1212G>C (p.Lys404Asn)

Gene: ATRX (ATRX chromatin remodeler; minus strand). Cytogenetic location: Xq21.1.
Variant type: single nucleotide variant.
Coding change: c.1212G>C on transcript NM_000489.6 (MANE Select); coding-DNA position 1212, G replaced by C.
Protein change: p.Lys404Asn; replaces lysine 404 with asparagine.
Molecular consequence: missense variant.
Genome position (GRCh38, 1-based): chrX:77,684,044, C>G on the plus strand (G>C on the coding strand, the complement: ATRX is on the minus strand). VCF-style: chrX-77684044-C-G. GRCh37 (hg19) VCF-style: chrX-76939536-C-G.
Other names: c.1098G>C, p.Lys366Asn (NM_138270.5); short protein forms K366N, K404N.
Identifiers: ClinVar variation 918154 (VCV000918154.15), dbSNP rs2071413817, ClinGen allele CA413719060.